The following is an entry in ClinVar:

ClinVar aggregate classification (germline): Uncertain significance (1 of 4 stars; one submission).

Submission:

Labcorp Genetics (formerly Invitae), Labcorp
Classification: Uncertain significance. Last evaluated: 2023-07-18. Review status: criteria provided, single submitter. Criteria: Invitae Variant Classification Sherloc (09022015). Collection method: clinical testing. Allele origin: germline.
Comment: This sequence change replaces alanine, which is neutral and non-polar, with serine, which is neutral and polar, at codon 68 of the RAB11B protein (p.Ala68Ser). This variant is not present in population databases (gnomAD no frequency). This variant has not been reported in the literature in individuals affected with RAB11B-related conditions. An algorithm developed to predict the effect of missense changes on protein structure and function (PolyPhen-2) suggests that this variant is likely to be disruptive. This variant disrupts the p.Ala68 amino acid residue in RAB11B. Other variant(s) that disrupt this residue have been determined to be pathogenic (PMID: 29106825). This suggests that this residue is clinically significant, and that variants that disrupt this residue are likely to be disease-causing. In summary, the available evidence is currently insufficient to determine the role of this variant in disease. Therefore, it has been classified as a Variant of Uncertain Significance.

Literature cited by the submitters: PubMed 29106825.

NM_004218.4(RAB11B):c.202G>T (p.Ala68Ser)

Gene: RAB11B (RAB11B, member RAS oncogene family; plus strand). Cytogenetic location: 19p13.2.
Variant type: single nucleotide variant.
Coding change: c.202G>T on transcript NM_004218.4 (MANE Select); coding-DNA position 202, G replaced by T.
Protein change: p.Ala68Ser; replaces alanine 68 with serine.
Molecular consequence: missense variant.
Genome position (GRCh38, 1-based): chr19:8,400,024, G>T. VCF-style: chr19-8400024-G-T. GRCh37 (hg19) VCF-style: chr19-8464908-G-T.
Other names: short protein forms A68S.
Identifiers: ClinVar variation 2744827 (VCV002744827.3), dbSNP rs1555690804, ClinGen allele CA403711182.